The following is an entry in ClinVar:

NM_138694.4(PKHD1):c.9845del (p.Ser3282fs)

Gene: PKHD1 (PKHD1 ciliary IPT domain containing fibrocystin/polyductin; minus strand). Cytogenetic location: 6p12.3.
Variant type: Deletion.
Coding change: c.9845del on transcript NM_138694.4 (MANE Select); coding-DNA position 9845, one base deleted (G; older notation c.9845delG).
Protein change: p.Ser3282fs; shifts the reading frame from serine 3282.
Molecular consequence: frameshift variant.
Genome position (GRCh38, 1-based): chr6:51,746,874, C deleted on the plus strand (G on the coding strand, the reverse complement: PKHD1 is on the minus strand). VCF-style (leftmost placement, unchanged base first): chr6-51746873-AC-A. GRCh37 (hg19) VCF-style: chr6-51611671-AC-A.
Other names: c.9845del, p.Ser3282fs (NM_170724.3); c.9845delG (NM_138694.3); short protein forms S3282fs.
Identifiers: ClinVar variation 2006029 (VCV002006029.5), dbSNP rs2533780261, ClinGen allele CA2580075424.
Genomic context (GRCh38, chr6:51,746,873, plus strand): 5'-GTTCTCTGCATTTGGTAGAATGCAGACATCCAGGTCATCGCTATAGCAACTCTTCACAAA[AC>A]TAGAAAAGGTAACATCTGAAATTTTAAAAATATGTATCATAATATTATATCATATAAACC-3'

ClinVar aggregate classification (germline): Pathogenic/Likely pathogenic. Review status: criteria provided, multiple submitters, no conflicts (2 of 4 stars). 2 submissions from 2 submitters: Pathogenic (1); Likely pathogenic (1). Last evaluated 2024-02-27.

Conditions:
Autosomal recessive polycystic kidney disease (ARPKD). Also called: AR polycystic kidney disease. Identifiers: Orphanet 731, Orphanet 8378, MedGen C0085548, MeSH D017044, MONDO:0009889.

Submissions (2):

Natera, Inc.
Classification: Likely pathogenic for Autosomal recessive polycystic kidney disease. Last evaluated: 2024-02-27. Review status: criteria provided, single submitter. Criteria: Natera Variant Classification Schema (03/2026). Collection method: clinical testing. Allele origin: germline.
Comment: The c.9845delG variant in PKHD1 is a frameshift variant predicted to shift the reading frame beginning at codon 3282 and leads to a stop codon 3 codons downstream. This variant is expected to result in nonsense mediated decay, truncation, or a dysfunctional protein product. This variant is rare in the general population with a frequency below the threshold expected for the associated phenotype(s). Given the available evidence, this variant is classified as Likely Pathogenic.

Labcorp Genetics (formerly Invitae), Labcorp
Classification: Pathogenic for Autosomal recessive polycystic kidney disease. Last evaluated: 2022-06-14. Review status: criteria provided, single submitter. Criteria: Invitae Variant Classification Sherloc (09022015). Collection method: clinical testing. Allele origin: germline.
Comment: This sequence change creates a premature translational stop signal (p.Ser3282Ilefs*3) in the PKHD1 gene. It is expected to result in an absent or disrupted protein product. Loss-of-function variants in PKHD1 are known to be pathogenic (PMID: 19940839). This variant is not present in population databases (gnomAD no frequency). For these reasons, this variant has been classified as Pathogenic. Algorithms developed to predict the effect of sequence changes on RNA splicing suggest that this variant may disrupt the consensus splice site. This variant has not been reported in the literature in individuals affected with PKHD1-related conditions.

Literature cited by the submitters: PubMed 19940839 (cited by Labcorp Genetics (formerly Invitae), Labcorp).